The following is an entry in ClinVar:

NM_000330.4(RS1):c.314G>C (p.Ser105Thr)

Genes: CDKL5 (cyclin dependent kinase like 5; plus strand), RS1 (retinoschisin 1; minus strand). Cytogenetic location: Xp22.13.
Variant type: single nucleotide variant.
Coding change: c.314G>C on transcript NM_000330.4 (MANE Select); coding-DNA position 314, G replaced by C.
Protein change: p.Ser105Thr; replaces serine 105 with threonine.
Molecular consequence: missense variant. On other transcripts: intron variant (2).
Genome position (GRCh38, 1-based): chrX:18,647,203, C>G on the plus strand (G>C on the coding strand, the complement: RS1 is on the minus strand). VCF-style: chrX-18647203-C-G. GRCh37 (hg19) VCF-style: chrX-18665323-C-G.
Other names: c.2797+1113C>G (NM_003159.3, NM_001037343.2); short protein forms S105T.
Identifiers: ClinVar variation 4698783 (VCV004698783.1).

ClinVar aggregate classification (germline): Uncertain significance (1 of 4 stars; one submission).

Submission:

Labcorp Genetics (formerly Invitae), Labcorp
Classification: Uncertain significance. Last evaluated: 2025-11-19. Review status: criteria provided, single submitter. Criteria: Invitae Variant Classification Sherloc (09022015). Collection method: clinical testing. Allele origin: germline.
Comment: This sequence change replaces serine, which is neutral and polar, with threonine, which is neutral and polar, at codon 105 of the RS1 protein (p.Ser105Thr). This variant is present in population databases (no rsID available, gnomAD 0.005%). This variant has not been reported in the literature in individuals affected with RS1-related conditions. Invitae Evidence Modeling of protein sequence and biophysical properties (such as structural, functional, and spatial information, amino acid conservation, physicochemical variation, residue mobility, and thermodynamic stability) indicates that this missense variant is not expected to disrupt RS1 protein function with a negative predictive value of 95%. In summary, the available evidence is currently insufficient to determine the role of this variant in disease. Therefore, it has been classified as a Variant of Uncertain Significance.